The following is an entry in ClinVar:

NM_002772.3(TMPRSS15):c.1613G>A (p.Ser538Asn)

Gene: TMPRSS15 (transmembrane serine protease 15; minus strand). Cytogenetic location: 21q21.1.
Variant type: single nucleotide variant.
Coding change: c.1613G>A on transcript NM_002772.3 (MANE Select); coding-DNA position 1613, G replaced by A.
Protein change: p.Ser538Asn; replaces serine 538 with asparagine.
Molecular consequence: missense variant.
Genome position (GRCh38, 1-based): chr21:18,332,125, C>T on the plus strand (G>A on the coding strand, the complement: TMPRSS15 is on the minus strand). VCF-style: chr21-18332125-C-T. GRCh37 (hg19) VCF-style: chr21-19704442-C-T.
Other names: c.1613G>A (NM_002772.2); short protein forms S538N.
Identifiers: ClinVar variation 2192887 (VCV002192887.2), dbSNP rs375661015, ClinGen allele CA9984365.
Genomic context (GRCh38, chr21:18,332,125, plus strand): 5'-TGGAAAAGAAATGACTCACAGAAAGCCAGATTAGGGTAGCTGTTTGGAAAGTTCGTAGAA[C>T]TGAATGTTGTATTTGGCTCCCACAGCTCAAAAGGTCCTCCACAGTCCGCTGAAAAGGAAA-3'
Protein context (NP_002763.3, residues 528-548): FELWEPNTTF[Ser538Asn]STNFPNSYPN

ClinVar aggregate classification (germline): Uncertain significance. Review status: criteria provided, multiple submitters, no conflicts (2 of 4 stars). 2 submissions from 2 submitters: Uncertain significance (2). Last evaluated 2024-05-15.

Allele frequency attached by ClinVar (database versions not stated): ExAC 0.00001; gnomAD 0.00001; gnomAD exomes 0.00002; TOPMed 0.00002; ESP Exome Variant Server 0.00008.
gnomAD v4.1: 37 of 1,613,984 alleles (0.0023%); highest among the groups gnomAD compares: Non-Finnish European, 0.0031%; no homozygotes.

Submissions (2):

Ambry Genetics
Classification: Uncertain significance. Last evaluated: 2024-05-15. Review status: criteria provided, single submitter. Criteria: Ambry Variant Classification Scheme 2023. Collection method: clinical testing. Allele origin: germline.

Labcorp Genetics (formerly Invitae), Labcorp
Classification: Uncertain significance. Last evaluated: 2022-06-13. Review status: criteria provided, single submitter. Criteria: Invitae Variant Classification Sherloc (09022015). Collection method: clinical testing. Allele origin: germline.
Comment: This sequence change replaces serine, which is neutral and polar, with asparagine, which is neutral and polar, at codon 538 of the TMPRSS15 protein (p.Ser538Asn). This variant is present in population databases (rs375661015, gnomAD 0.004%). This variant has not been reported in the literature in individuals affected with TMPRSS15-related conditions. Algorithms developed to predict the effect of missense changes on protein structure and function are either unavailable or do not agree on the potential impact of this missense change (SIFT: "Not Available"; PolyPhen-2: "Benign"; Align-GVGD: "Not Available"). In summary, the available evidence is currently insufficient to determine the role of this variant in disease. Therefore, it has been classified as a Variant of Uncertain Significance.